The following is an entry in ClinVar:

ClinVar aggregate classification (germline): Conflicting classifications of pathogenicity. Review status: criteria provided, conflicting classifications (1 of 4 stars). 3 submissions from 3 submitters: Uncertain significance (1); Likely benign (1). 1 of the submissions does not count toward it. Last evaluated 2023-12-17.

Conditions:
ALDOB-related disorder. Also called: ALDOB-related condition.
Inborn genetic diseases. Identifiers: MedGen C0950123, MeSH D030342.
Hereditary fructosuria. Also called: ALDOB DEFICIENCY; ALDOLASE B DEFICIENCY; FRUCTOSE-1,6-BISPHOSPHATE ALDOLASE B DEFICIENCY; FRUCTOSE-1-PHOSPHATE ALDOLASE DEFICIENCY; FRUCTOSEMIA; Hereditary fructose intolerance. Identifiers: Orphanet 469, MedGen C0016751, MONDO:0009249, OMIM 229600, HP:0005973. Disease mechanism: loss of function.

Allele frequency attached by ClinVar (database versions not stated): TOPMed 0.00004; gnomAD 0.00005; ExAC 0.00019; 1000 Genomes Project 30x 0.00031; 1000 Genomes Project 0.00040.
gnomAD v4.1: 147 of 1,614,184 alleles (0.0091%); highest among the groups gnomAD compares: South Asian, 0.14%; no homozygotes.

Submissions (3):

Ambry Genetics
Classification: Likely benign for Inborn genetic diseases. Last evaluated: 2023-12-17. Review status: criteria provided, single submitter. Criteria: Ambry Variant Classification Scheme 2023. Collection method: clinical testing. Allele origin: germline.

Labcorp Genetics (formerly Invitae), Labcorp
Classification: Uncertain significance for Hereditary fructosuria. Last evaluated: 2022-06-10. Review status: criteria provided, single submitter. Criteria: Invitae Variant Classification Sherloc (09022015). Collection method: clinical testing. Allele origin: germline.
Comment: This sequence change replaces alanine, which is neutral and non-polar, with threonine, which is neutral and polar, at codon 170 of the ALDOB protein (p.Ala170Thr). This variant is present in population databases (rs538037262, gnomAD 0.2%). This variant has not been reported in the literature in individuals affected with ALDOB-related conditions. Algorithms developed to predict the effect of missense changes on protein structure and function output the following: SIFT: "Tolerated"; PolyPhen-2: "Benign"; Align-GVGD: "Class C0". The threonine amino acid residue is found in multiple mammalian species, which suggests that this missense change does not adversely affect protein function. In summary, the available evidence is currently insufficient to determine the role of this variant in disease. Therefore, it has been classified as a Variant of Uncertain Significance.

PreventionGenetics, part of Exact Sciences
Classification: Likely benign for ALDOB-related condition. Last evaluated: 2022-06-14. Review status: no assertion criteria provided. Collection method: clinical testing. Allele origin: germline. Not counted in ClinVar's aggregate classification.
Comment: This variant is classified as likely benign based on ACMG/AMP sequence variant interpretation guidelines (Richards et al. 2015 PMID: 25741868, with internal and published modifications).

NM_000035.4(ALDOB):c.508G>A (p.Ala170Thr)

Gene: ALDOB (aldolase, fructose-bisphosphate B; minus strand). Cytogenetic location: 9q31.1.
Variant type: single nucleotide variant.
Coding change: c.508G>A on transcript NM_000035.4 (MANE Select); coding-DNA position 508, G replaced by A.
Protein change: p.Ala170Thr; replaces alanine 170 with threonine.
Molecular consequence: missense variant.
Genome position (GRCh38, 1-based): chr9:101,427,514, C>T on the plus strand (G>A on the coding strand, the complement: ALDOB is on the minus strand). VCF-style: chr9-101427514-C-T. GRCh37 (hg19) VCF-style: chr9-104189796-C-T.
Other names: c.508G>A (NM_000035.3); short protein forms A170T.
Identifiers: ClinVar variation 2193019 (VCV002193019.4), dbSNP rs538037262, ClinGen allele CA5161579.